The following is an entry in ClinVar:

NM_001142864.4(PIEZO1):c.5012G>A (p.Arg1671Gln)

Gene: PIEZO1 (piezo type mechanosensitive ion channel component 1 (Er blood group); minus strand). Cytogenetic location: 16q24.3.
Variant type: single nucleotide variant.
Coding change: c.5012G>A on transcript NM_001142864.4 (MANE Select); coding-DNA position 5012, G replaced by A.
Protein change: p.Arg1671Gln; replaces arginine 1671 with glutamine.
Molecular consequence: missense variant.
Genome position (GRCh38, 1-based): chr16:88,722,010, C>T on the plus strand (G>A on the coding strand, the complement: PIEZO1 is on the minus strand). VCF-style: chr16-88722010-C-T. GRCh37 (hg19) VCF-style: chr16-88788418-C-T.
Other names: c.3554G>A, p.Arg1185Gln (NM_014745.1); short protein forms R1185Q, R1671Q.
Identifiers: ClinVar variation 2631912 (VCV002631912.4), dbSNP rs987971305, ClinGen allele CA286409687.

ClinVar aggregate classification (germline): Conflicting classifications of pathogenicity. Review status: criteria provided, conflicting classifications (1 of 4 stars). 2 submissions from 2 submitters: Uncertain significance (1); Benign (1). Last evaluated 2023-06-02.

Conditions:
PIEZO1-related disorder. Also called: PIEZO1-Related Disorders; PIEZO1-related condition.

Allele frequency attached by ClinVar (database versions not stated): TOPMed 0.00003; gnomAD 0.00006; 1000 Genomes Project 30x 0.00016.
gnomAD v4.1: 115 of 1,548,680 alleles (0.0074%); highest among the groups gnomAD compares: Admixed American, 0.012%; no homozygotes.

Submissions (2):

PreventionGenetics, part of Exact Sciences
Classification: Uncertain significance for PIEZO1-related condition. Last evaluated: 2023-06-02. Review status: criteria provided, single submitter. Criteria: ACMG Guidelines, 2015. Collection method: clinical testing. Allele origin: germline.
Comment: The PIEZO1 c.5012G>A variant is predicted to result in the amino acid substitution p.Arg1671Gln. To our knowledge, this variant has not been reported in the literature. This variant is reported in 0.012% of alleles in individuals of European (Non-Finnish) descent in gnomAD. At this time, the clinical significance of this variant is uncertain due to the absence of conclusive functional and genetic evidence.

Labcorp Genetics (formerly Invitae), Labcorp
Classification: Benign. Last evaluated: 2023-03-08. Review status: criteria provided, single submitter. Criteria: Invitae Variant Classification Sherloc (09022015). Collection method: clinical testing. Allele origin: germline.